The following is an entry in ClinVar:

NM_003672.4(CDC14A):c.1385A>G (p.Asn462Ser)

Gene: CDC14A (cell division cycle 14A; plus strand). Cytogenetic location: 1p21.2.
Variant type: single nucleotide variant.
Coding change: c.1385A>G on transcript NM_003672.4 (MANE Select); coding-DNA position 1385, A replaced by G.
Protein change: p.Asn462Ser; replaces asparagine 462 with serine.
Molecular consequence: missense variant.
Genome position (GRCh38, 1-based): chr1:100,498,171, A>G. VCF-style: chr1-100498171-A-G. GRCh37 (hg19) VCF-style: chr1-100963727-A-G.
Other names: c.1385A>G, p.Asn462Ser (NM_001319210.2, NM_033312.3); c.1211A>G, p.Asn404Ser (NM_001319211.2); c.506A>G, p.Asn169Ser (NM_001319212.2); short protein forms N169S, N404S, N462S.
Identifiers: ClinVar variation 4888041 (VCV004888041.1).

ClinVar aggregate classification (germline): Uncertain significance (1 of 4 stars; one submission).

gnomAD v4.1: 12 of 1,614,042 alleles (0.00074%); highest among the groups gnomAD compares: African/African-American, 0.016%; no homozygotes.

Submission:

GeneDx
Classification: Uncertain significance. Last evaluated: 2026-02-26. Review status: criteria provided, single submitter. Criteria: GeneDx Variant Classification Process June 2021. Collection method: clinical testing. Allele origin: germline.
Comment: In silico analysis suggests that this missense variant does not alter protein structure/function; Has not been previously published as pathogenic or benign to our knowledge